The following is an entry in ClinVar:

NM_002878.4(RAD51D):c.523_525del (p.Ile175del)

Genes: RAD51L3-RFFL (RAD51L3-RFFL readthrough; minus strand), RAD51D (RAD51 paralog D; minus strand). Cytogenetic location: 17q12.
Variant type: Deletion.
Coding change: c.523_525del on transcript NM_002878.4 (MANE Select); coding-DNA positions 523 to 525, 3 bases deleted (ATC; older notation c.523_525delATC).
Protein change: p.Ile175del; deletes isoleucine 175.
Molecular consequence: inframe indel (on NM_002878.3). On other transcripts: non-coding transcript variant (3).
Genome position (GRCh38, 1-based): chr17:35,106,437-35,106,439, GAT deleted on the plus strand (ATC on the coding strand, the reverse complement: RAD51D is on the minus strand); deleting any 3 consecutive bases within chr17:35,106,437-35,106,440 gives the same sequence; the c. name uses the placement nearest the transcript's 3' end. VCF-style (leftmost placement, unchanged base first): chr17-35106436-AGAT-A. GRCh37 (hg19) VCF-style: chr17-33433455-AGAT-A.
Other names: c.523_525delATC (NM_002878.3); c.583_585del, p.Ile195del (NM_001142571.2); c.187_189del, p.Ile63del (NM_133629.3); short protein forms I195del, I63del, I175del.
Identifiers: ClinVar variation 5027849 (VCV005027849.1).
Genomic context (GRCh38, chr17:35,106,436, plus strand): 5'-GCAGGCTCACCTGCTGGGCCACAGTGCCTCGGAGCTCCTGCAGCACATCCAGCATCTGGA[AGAT>A]GTCAAATGCATGCACCACCTGGATCCTCCGGAGAGCTTCTGCCTGAAGCGGTGGAAAAGA-3'

ClinVar aggregate classification (germline): Uncertain significance (1 of 4 stars; one submission).

Conditions:
Hereditary cancer-predisposing syndrome. Also called: Neoplastic Syndromes, Hereditary; Tumor predisposition; Hereditary neoplastic syndrome; Hereditary Cancer Syndrome. Identifiers: Orphanet 140162, MedGen C0027672, MeSH D009386, MONDO:0015356.

Submission:

Ambry Genetics
Classification: Uncertain significance for Hereditary cancer-predisposing syndrome. Last evaluated: 2026-07-30. Review status: criteria provided, single submitter. Criteria: Ambry Variant Classification Scheme 2023. Collection method: clinical testing. Allele origin: germline.
Comment: The c.523_525delATC variant (also known as p.I175del) is located in coding exon 6 of the RAD51D gene. This variant results from an in-frame ATC deletion at nucleotide positions 523 to 525. This results in the in-frame deletion of an isoleucine at codon 175. This amino acid position is well conserved in available vertebrate species. In addition, this variant is predicted to be deleterious by in silico analysis (Choi Y et al. PLoS ONE. 2012; 7(10):e46688). Based on the available evidence, the clinical significance of this variant remains unclear.